The following is an entry in ClinVar:

NM_003922.4(HERC1):c.977C>T (p.Ser326Leu)

Gene: HERC1 (HECT and RLD domain containing E3 ubiquitin protein ligase family member 1; minus strand). Cytogenetic location: 15q22.31.
Variant type: single nucleotide variant.
Coding change: c.977C>T on transcript NM_003922.4 (MANE Select); coding-DNA position 977, C replaced by T.
Protein change: p.Ser326Leu; replaces serine 326 with leucine.
Molecular consequence: missense variant.
Genome position (GRCh38, 1-based): chr15:63,764,145, G>A on the plus strand (C>T on the coding strand, the complement: HERC1 is on the minus strand). VCF-style: chr15-63764145-G-A. GRCh37 (hg19) VCF-style: chr15-64056344-G-A.
Other names: short protein forms S326L.
Identifiers: ClinVar variation 2057110 (VCV002057110.4), dbSNP rs370923299, ClinGen allele CA7606561.
Genomic context (GRCh38, chr15:63,764,145, plus strand): 5'-TTATTACGTACCTCTTCAAAGAGACATAATGCTGCCTCGTAAAGGGAGCACAAGCCATCC[G>A]ATGTTCTGGTTGGTTCTCTCCACTGACTCCGATCAGCAGATGAACCCTATAATTAAAACA-3'
Protein context (NP_003913.3, residues 316-336): RSQWREPTRT[Ser326Leu]DGLCSLYEAA

ClinVar aggregate classification (germline): Uncertain significance. Review status: criteria provided, multiple submitters, no conflicts (2 of 4 stars). 3 submissions from 3 submitters: Uncertain significance (3). Last evaluated 2025-03-17.

Conditions:
Inborn genetic diseases. Identifiers: MedGen C0950123, MeSH D030342.

Allele frequency attached by ClinVar (database versions not stated): gnomAD 0.00001; TOPMed 0.00001; ExAC 0.00007; ESP Exome Variant Server 0.00008.
gnomAD v4.1: 25 of 1,611,184 alleles (0.0016%); highest among the groups gnomAD compares: Admixed American, 0.029%; no homozygotes.

Submissions (3):

GeneDx
Classification: Uncertain significance. Last evaluated: 2025-03-17. Review status: criteria provided, single submitter. Criteria: GeneDx Variant Classification Process June 2021. Collection method: clinical testing. Allele origin: germline. Affected: yes.
Comment: In silico analysis indicates that this missense variant does not alter protein structure/function; Has not been previously published as pathogenic or benign to our knowledge

Labcorp Genetics (formerly Invitae), Labcorp
Classification: Uncertain significance. Last evaluated: 2024-02-24. Review status: criteria provided, single submitter. Criteria: Invitae Variant Classification Sherloc (09022015). Collection method: clinical testing. Allele origin: germline.
Comment: This sequence change replaces serine, which is neutral and polar, with leucine, which is neutral and non-polar, at codon 326 of the HERC1 protein (p.Ser326Leu). This variant is present in population databases (rs370923299, gnomAD 0.04%). This variant has not been reported in the literature in individuals affected with HERC1-related conditions. ClinVar contains an entry for this variant (Variation ID: 2057110). Advanced modeling of protein sequence and biophysical properties (such as structural, functional, and spatial information, amino acid conservation, physicochemical variation, residue mobility, and thermodynamic stability) performed at Invitae indicates that this missense variant is not expected to disrupt HERC1 protein function with a negative predictive value of 80%. In summary, the available evidence is currently insufficient to determine the role of this variant in disease. Therefore, it has been classified as a Variant of Uncertain Significance.

Ambry Genetics
Classification: Uncertain significance for Inborn genetic diseases. Last evaluated: 2021-08-16. Review status: criteria provided, single submitter. Criteria: Ambry Variant Classification Scheme 2023. Collection method: clinical testing. Allele origin: germline.